The following is an entry in ClinVar:

ClinVar aggregate classification (germline): Uncertain significance. Review status: criteria provided, multiple submitters, no conflicts (2 of 4 stars). 2 submissions from 2 submitters: Uncertain significance (2). Last evaluated 2023-12-31.

Conditions:
Hereditary cancer-predisposing syndrome. Also called: Hereditary neoplastic syndrome; Neoplastic Syndromes, Hereditary; Tumor predisposition; Hereditary Cancer Syndrome. Identifiers: Orphanet 140162, MedGen C0027672, MeSH D009386, MONDO:0015356.
Ataxia-telangiectasia syndrome (AT). Also called: LOUIS-BAR SYNDROME; Cerebello-oculocutaneous telangiectasia; Immunodeficiency with ataxia telangiectasia; AT, COMPLEMENTATION GROUP C; Ataxia-telangiectasia, complementation group D; ATAXIA-TELANGIECTASIA, COMPLEMENTATION GROUP A. Identifiers: Orphanet 100, MedGen C0004135, MONDO:0008840, OMIM 208900.

gnomAD v4.1: 1 of 1,613,918 alleles (0.000062%); highest among the groups gnomAD compares: Non-Finnish European, 0.000085%; no homozygotes.

Submissions (2):

Labcorp Genetics (formerly Invitae), Labcorp
Classification: Uncertain significance for Ataxia-telangiectasia syndrome. Last evaluated: 2023-12-31. Review status: criteria provided, single submitter. Criteria: Invitae Variant Classification Sherloc (09022015). Collection method: clinical testing. Allele origin: germline.
Comment: This sequence change replaces leucine, which is neutral and non-polar, with phenylalanine, which is neutral and non-polar, at codon 1708 of the ATM protein (p.Leu1708Phe). This variant is not present in population databases (gnomAD no frequency). This variant has not been reported in the literature in individuals affected with ATM-related conditions. ClinVar contains an entry for this variant (Variation ID: 481280). An algorithm developed to predict the effect of missense changes on protein structure and function (PolyPhen-2) suggests that this variant is likely to be tolerated. In summary, the available evidence is currently insufficient to determine the role of this variant in disease. Therefore, it has been classified as a Variant of Uncertain Significance.

Ambry Genetics
Classification: Uncertain significance for Hereditary cancer-predisposing syndrome. Last evaluated: 2023-04-06. Review status: criteria provided, single submitter. Criteria: Ambry Variant Classification Scheme 2023. Collection method: clinical testing. Allele origin: germline.
Comment: The p.L1708F variant (also known as c.5122C>T), located in coding exon 33 of the ATM gene, results from a C to T substitution at nucleotide position 5122. The leucine at codon 1708 is replaced by phenylalanine, an amino acid with highly similar properties. This variant was not reported in population based cohorts in the following databases: Database of Single Nucleotide Polymorphisms (dbSNP), NHLBI Exome Sequencing Project (ESP), and 1000 Genomes Project. In the ESP, this variant was not observed in 6499 samples (12998 alleles) with coverage at this position. To date, this alteration has been detected with an allele frequency of approximately 0.001% (greater than 180000 alleles tested) in our clinical cohort. This amino acid position is well conserved in available vertebrate species. In addition, this alteration is predicted to be tolerated by in silico analysis. Since supporting evidence is limited at this time, the clinical significance of this alteration remains unclear.

NM_000051.4(ATM):c.5122C>T (p.Leu1708Phe)

Gene: ATM (ATM serine/threonine kinase; plus strand). Cytogenetic location: 11q22.3.
Variant type: single nucleotide variant.
Coding change: c.5122C>T on transcript NM_000051.4 (MANE Select); coding-DNA position 5122, C replaced by T.
Protein change: p.Leu1708Phe; replaces leucine 1708 with phenylalanine.
Molecular consequence: missense variant.
Genome position (GRCh38, 1-based): chr11:108,299,830, C>T. VCF-style: chr11-108299830-C-T. GRCh37 (hg19) VCF-style: chr11-108170557-C-T.
Other names: c.5122C>T, p.Leu1708Phe (NM_001351834.2); short protein forms L1708F.
Identifiers: ClinVar variation 481280 (VCV000481280.15), dbSNP rs1555104730, ClinGen allele CA382540865.
Genomic context (GRCh38, chr11:108,299,830, plus strand): 5'-ATACAACATAGTAAAGATGCATCTTATACCAAGGCCCTTAAGTTATTTGAAGATAAAGAA[C>T]TTCAGTGGACCTTCATAATGCTGACCTACCTGAATAACACACTGGTAGAAGATTGGTGAG-3'
Protein context (NP_000042.3, residues 1698-1718): KALKLFEDKE[Leu1708Phe]QWTFIMLTYL